The following is an entry in ClinVar:

ClinVar aggregate classification (germline): Uncertain significance (1 of 4 stars; one submission).

gnomAD v4.1: 1 of 1,614,160 alleles (0.000062%); highest among the groups gnomAD compares: Non-Finnish European, 0.000085%; no homozygotes.

Submission:

Women's Health and Genetics/Laboratory Corporation of America, LabCorp
Classification: Uncertain significance. Last evaluated: 2026-01-06. Review status: criteria provided, single submitter. Criteria: LabCorp Variant Classification Summary - May 2015. Collection method: clinical testing. Allele origin: germline.
Comment: Variant summary: SH3TC2 c.2705C>T (p.Ala902Val) results in a non-conservative amino acid change in the encoded protein sequence. Algorithms developed to predict the effect of missense changes on protein structure and function are either unavailable or do not agree on the potential impact of this missense change. The variant allele was found at a frequency of 4e-06 in 251048 control chromosomes (gnomAD). The available data on variant occurrences in the general population are insufficient to allow any conclusion about variant significance. To our knowledge, no occurrence of c.2705C>T in individuals affected with SH3TC2-related conditions and no experimental evidence demonstrating its impact on protein function have been reported. No submitters have cited clinical-significance assessments for this variant to ClinVar. Based on the evidence outlined above, the variant was classified as uncertain significance.

NM_024577.4(SH3TC2):c.2705C>T (p.Ala902Val)

Gene: SH3TC2 (SH3 domain and tetratricopeptide repeats 2; minus strand). Cytogenetic location: 5q32.
Variant type: single nucleotide variant.
Coding change: c.2705C>T on transcript NM_024577.4 (MANE Select); coding-DNA position 2705, C replaced by T.
Protein change: p.Ala902Val; replaces alanine 902 with valine.
Molecular consequence: missense variant.
Genome position (GRCh38, 1-based): chr5:149,027,027, G>A on the plus strand (C>T on the coding strand, the complement: SH3TC2 is on the minus strand). VCF-style: chr5-149027027-G-A. GRCh37 (hg19) VCF-style: chr5-148406590-G-A.
Other names: short protein forms A902V.
Identifiers: ClinVar variation 4689581 (VCV004689581.1).